The following is an entry in ClinVar:

ClinVar aggregate classification (germline): Uncertain significance (1 of 4 stars; one submission).

Conditions:
Pierpont syndrome (PRPTS). Identifiers: Orphanet 487825, MedGen C1865644, MONDO:0011213, OMIM 602342.

Submission:

Labcorp Genetics (formerly Invitae), Labcorp
Classification: Uncertain significance for Pierpont syndrome. Last evaluated: 2023-10-13. Review status: criteria provided, single submitter. Criteria: Invitae Variant Classification Sherloc (09022015). Collection method: clinical testing. Allele origin: unknown.
Comment: This variant results in a copy number gain of the genomic region encompassing exon(s) 5-16 of the TBL1XR1 gene. This region includes the termination codon of the gene. This copy number gain extends beyond the assayed region for this gene and therefore may encompass additional genes. As the precise location of this event is unknown, it may be in tandem or it may be located elsewhere in the genome. This variant has not been reported in the literature in individuals affected with TBL1XR1-related conditions. In summary, the available evidence is currently insufficient to determine the role of this variant in disease. Therefore, it has been classified as a Variant of Uncertain Significance.

NC_000003.11:g.(?_176743286)_(176769534_?)dup

Gene: TBL1XR1 (TBL1X/Y related 1; minus strand). Cytogenetic location: 3q26.32.
Variant type: Duplication.
Identifiers: ClinVar variation 3246898 (VCV003246898.1).